The following is an entry in ClinVar:

NM_001366145.2(TRPM3):c.408G>A (p.Thr136=)

Gene: TRPM3 (transient receptor potential cation channel subfamily M member 3; minus strand). Cytogenetic location: 9q21.12.
Variant type: single nucleotide variant.
Coding change: c.408G>A on transcript NM_001366145.2 (MANE Select); coding-DNA position 408, G replaced by A.
Protein change: p.Thr136=; no amino-acid change (threonine 136 retained).
Molecular consequence: synonymous variant. On other transcripts: 5 prime UTR variant (9).
Genome position (GRCh38, 1-based): chr9:70,862,962, C>T on the plus strand (G>A on the coding strand, the complement: TRPM3 is on the minus strand). VCF-style: chr9-70862962-C-T. GRCh37 (hg19) VCF-style: chr9-73477878-C-T.
Other names: c.-52G>A (NM_001007470.3, NM_001366154.2, NM_020952.6 and 6 more transcripts); c.408G>A, p.Thr136= (NM_001007471.4, NM_001366146.2, NM_001366147.2 and 6 more transcripts); c.414G>A, p.Thr138= (NM_001366141.2, NM_001366142.2, NM_001366143.2 and 1 more transcripts).
Identifiers: ClinVar variation 4535064 (VCV004535064.6).

ClinVar aggregate classification (germline): Likely benign (1 of 4 stars; one submission).

gnomAD v4.1: 22 of 1,613,500 alleles (0.0014%); highest among the groups gnomAD compares: African/African-American, 0.019%; no homozygotes.

Submission:

CeGaT Center for Human Genetics Tuebingen
Classification: Likely benign. Last evaluated: 2025-10-01. Review status: criteria provided, single submitter. Criteria: CeGaT Center For Human Genetics Tuebingen Variant Classification Criteria Version 2. Collection method: clinical testing. Allele origin: germline. Affected: yes. Observed: 1 variant allele.
Comment: TRPM3: BP4, BP7